The following is an entry in ClinVar:

NM_017780.4(CHD7):c.3779-10A>T

Gene: CHD7 (chromodomain helicase DNA binding protein 7; plus strand). Cytogenetic location: 8q12.2.
Variant type: single nucleotide variant.
Coding change: c.3779-10A>T on transcript NM_017780.4 (MANE Select); 10 bases into the intron before coding-DNA position 3779, A replaced by T.
Molecular consequence: intron variant.
Genome position (GRCh38, 1-based): chr8:60,836,063, A>T. VCF-style: chr8-60836063-A-T. GRCh37 (hg19) VCF-style: chr8-61748622-A-T.
Other names: c.1717-26166A>T (NM_001316690.1).
Identifiers: ClinVar variation 3031283 (VCV003031283.2), dbSNP rs886063035, ClinGen allele CA2740095052.
Genomic context (GRCh38, chr8:60,836,063, plus strand): 5'-AAGCAAGTGCATTGTTTTTAGTAATAAAAACCTTTTACAGTATTCACGTTATGCTGTCCA[A>T]TCTCTGCAGGTGCTGAAGAGAAAATTTTGGAAGAGTTTAAAGAAACACACAATGCAGAGT-3'

ClinVar aggregate classification (germline): Likely benign (0 of 4 stars; one submission).

Conditions:
CHD7-related disorder. Also called: CHD7-related condition.

Submission:

PreventionGenetics, part of Exact Sciences
Classification: Likely benign for CHD7-related condition. Last evaluated: 2023-10-04. Review status: no assertion criteria provided. Collection method: clinical testing. Allele origin: germline.
Comment: This variant is classified as likely benign based on ACMG/AMP sequence variant interpretation guidelines (Richards et al. 2015 PMID: 25741868, with internal and published modifications).